The following is an entry in ClinVar:

ClinVar aggregate classification (germline): Likely pathogenic (1 of 4 stars; one submission).

Conditions:
Intellectual developmental disorder, autosomal recessive 47. Also called: Intellectual disability, autosomal recessive 47. Identifiers: Orphanet 88616, MedGen C4015444, MONDO:0014524, OMIM 616193.

Submission:

First Genomix Gene Laboratory, Genetic Diagnostics Department
Classification: Likely pathogenic for Intellectual developmental disorder, autosomal recessive 47. Last evaluated: 2025-12-28. Review status: criteria provided, single submitter. Criteria: ACMG Guidelines, 2015. Collection method: clinical testing. Allele origin: germline. Inheritance: Autosomal recessive inheritance. Affected: no. Observed: 1 variant allele.

NM_020066.5(FMN2):c.2041C>T (p.Gln681Ter)

Gene: FMN2 (formin 2; plus strand). Cytogenetic location: 1q43.
Variant type: single nucleotide variant.
Coding change: c.2041C>T on transcript NM_020066.5 (MANE Select); coding-DNA position 2041, C replaced by T.
Protein change: p.Gln681Ter; replaces glutamine 681 with a stop codon.
Molecular consequence: nonsense. On other transcripts: intron variant (1).
Genome position (GRCh38, 1-based): chr1:240,206,853, C>T. VCF-style: chr1-240206853-C-T. GRCh37 (hg19) VCF-style: chr1-240370153-C-T.
Other names: c.2053C>T, p.Gln685Ter (NM_001305424.2); c.1986+18591C>T (NM_001348094.2); short protein forms Q681*, Q685*.
Identifiers: ClinVar variation 4850609 (VCV004850609.1).